The following is an entry in ClinVar:

NM_000540.3(RYR1):c.11641C>G (p.Gln3881Glu)

Gene: RYR1 (ryanodine receptor 1; plus strand). Cytogenetic location: 19q13.2.
Variant type: single nucleotide variant.
Coding change: c.11641C>G on transcript NM_000540.3 (MANE Select); coding-DNA position 11641, C replaced by G.
Protein change: p.Gln3881Glu; replaces glutamine 3881 with glutamic acid.
Molecular consequence: missense variant.
Genome position (GRCh38, 1-based): chr19:38,537,912, C>G. VCF-style: chr19-38537912-C-G. GRCh37 (hg19) VCF-style: chr19-39028552-C-G.
Other names: c.11626C>G, p.Gln3876Glu (NM_001042723.2); short protein forms Q3881E, Q3876E.
Identifiers: ClinVar variation 2954924 (VCV002954924.3), dbSNP rs1469623253, ClinGen allele CA405658234.

ClinVar aggregate classification (germline): Uncertain significance (1 of 4 stars; one submission).

Conditions:
RYR1-related disorder. Also called: RYR1-related condition; RYR1-related disorders. Identifiers: MedGen CN239331.

Submission:

Labcorp Genetics (formerly Invitae), Labcorp
Classification: Uncertain significance for RYR1-related disorder. Last evaluated: 2022-12-21. Review status: criteria provided, single submitter. Criteria: Invitae Variant Classification Sherloc (09022015). Collection method: clinical testing. Allele origin: germline.
Comment: This variant has not been reported in the literature in individuals affected with RYR1-related conditions. In summary, the available evidence is currently insufficient to determine the role of this variant in disease. Therefore, it has been classified as a Variant of Uncertain Significance. Advanced modeling of protein sequence and biophysical properties (such as structural, functional, and spatial information, amino acid conservation, physicochemical variation, residue mobility, and thermodynamic stability) performed at Invitae indicates that this missense variant is not expected to disrupt RYR1 protein function. This variant is not present in population databases (gnomAD no frequency). This sequence change replaces glutamine, which is neutral and polar, with glutamic acid, which is acidic and polar, at codon 3881 of the RYR1 protein (p.Gln3881Glu).